The following is an entry in ClinVar:

ClinVar aggregate classification (germline): Conflicting classifications of pathogenicity. Review status: criteria provided, conflicting classifications (1 of 4 stars). 3 submissions from 3 submitters: Uncertain significance (2); Likely benign (1). Last evaluated 2024-02-17.

Conditions:
Hereditary breast ovarian cancer syndrome. Also called: Hereditary breast and ovarian cancer; Hereditary breast and/or ovarian cancer syndrome; Breast and ovarian cancer; BRCA1- and BRCA2-Associated Hereditary Breast and Ovarian Cancer; Hereditary breast and ovarian cancer syndrome; Hereditary breast and ovarian cancer syndrome (HBOC). Identifiers: Orphanet 145, MedGen C0677776, MeSH D061325, MONDO:0003582. Disease mechanism: loss of function.
Hereditary cancer-predisposing syndrome. Also called: Hereditary neoplastic syndrome; Tumor predisposition; Neoplastic Syndromes, Hereditary; Hereditary Cancer Syndrome. Identifiers: Orphanet 140162, MedGen C0027672, MeSH D009386, MONDO:0015356.

Allele frequency attached by ClinVar (database versions not stated): TOPMed 0.00001.

Submissions (3):

Ambry Genetics
Classification: Uncertain significance for Hereditary cancer-predisposing syndrome. Last evaluated: 2024-02-17. Review status: criteria provided, single submitter. Criteria: Ambry Variant Classification Scheme 2023. Collection method: clinical testing. Allele origin: germline.
Comment: The p.L1829F variant (also known as c.5487G>C), located in coding exon 10 of the BRCA2 gene, results from a G to C substitution at nucleotide position 5487. The leucine at codon 1829 is replaced by phenylalanine, an amino acid with highly similar properties. This amino acid position is not well conserved in available vertebrate species. In addition, this alteration is predicted to be tolerated by in silico analysis. Based on the available evidence, the clinical significance of this alteration remains unclear.

University of Washington Department of Laboratory Medicine, University of Washington
Classification: Likely benign for Hereditary cancer-predisposing syndrome. Last evaluated: 2023-03-23. Review status: criteria provided, single submitter. Criteria: Dines et al. (Genet Med. 2020). Collection method: curation. Allele origin: germline.
Comment: Missense variant in a coldspot region where missense variants are very unlikely to be pathogenic (PMID:31911673).

BRCA2 exon 11 coldspot. Reclassification based on statistical prior probability.

Labcorp Genetics (formerly Invitae), Labcorp
Classification: Uncertain significance for Hereditary breast ovarian cancer syndrome. Last evaluated: 2022-09-05. Review status: criteria provided, single submitter. Criteria: Invitae Variant Classification Sherloc (09022015). Collection method: clinical testing. Allele origin: germline.
Comment: In summary, the available evidence is currently insufficient to determine the role of this variant in disease. Therefore, it has been classified as a Variant of Uncertain Significance. Advanced modeling of protein sequence and biophysical properties (such as structural, functional, and spatial information, amino acid conservation, physicochemical variation, residue mobility, and thermodynamic stability) performed at Invitae indicates that this missense variant is not expected to disrupt BRCA2 protein function. ClinVar contains an entry for this variant (Variation ID: 654659). This missense change has been observed in individual(s) with breast and/or ovarian cancer (PMID: 30702160, 31825140). This variant is not present in population databases (gnomAD no frequency). This sequence change replaces leucine, which is neutral and non-polar, with phenylalanine, which is neutral and non-polar, at codon 1829 of the BRCA2 protein (p.Leu1829Phe).

Literature cited by the submitters: PubMed 30702160 (cited by Labcorp Genetics (formerly Invitae), Labcorp); PubMed 31825140 (cited by Labcorp Genetics (formerly Invitae), Labcorp).

NM_000059.4(BRCA2):c.5487G>C (p.Leu1829Phe)

Gene: BRCA2 (BRCA2 DNA repair associated; plus strand). Cytogenetic location: 13q13.1.
Variant type: single nucleotide variant.
Coding change: c.5487G>C on transcript NM_000059.4 (MANE Select); coding-DNA position 5487, G replaced by C.
Protein change: p.Leu1829Phe; replaces leucine 1829 with phenylalanine.
Molecular consequence: missense variant.
Genome position (GRCh38, 1-based): chr13:32,339,842, G>C. VCF-style: chr13-32339842-G-C. GRCh37 (hg19) VCF-style: chr13-32913979-G-C.
Other names: short protein forms L1829F.
Identifiers: ClinVar variation 654659 (VCV000654659.9), dbSNP rs779967765, ClinGen allele CA387785744.